The following is an entry in ClinVar:

NM_000285.4(PEPD):c.740+6C>T

Gene: PEPD (peptidase D; minus strand). Cytogenetic location: 19q13.11.
Variant type: single nucleotide variant.
Coding change: c.740+6C>T on transcript NM_000285.4 (MANE Select); 6 bases into the intron after coding-DNA position 740, C replaced by T.
Molecular consequence: intron variant.
Genome position (GRCh38, 1-based): chr19:33,413,569, G>A on the plus strand (C>T on the coding strand, the complement: PEPD is on the minus strand). VCF-style: chr19-33413569-G-A. GRCh37 (hg19) VCF-style: chr19-33904475-G-A.
Other names: c.548+6C>T (NM_001166057.2); c.617+6C>T (NM_001166056.2).
Identifiers: ClinVar variation 1426127 (VCV001426127.4), dbSNP rs375936079, ClinGen allele CA9364169.

ClinVar aggregate classification (germline): Uncertain significance (1 of 4 stars; one submission).

Conditions:
Prolidase deficiency. Identifiers: Orphanet 742, MedGen C0268532, MONDO:0008221, OMIM 170100.

Allele frequency attached by ClinVar (database versions not stated): gnomAD exomes 0.00002; ESP Exome Variant Server 0.00008; gnomAD 0.00001; TOPMed 0.00003; ExAC 0.00004.
gnomAD v4.1: 75 of 1,547,668 alleles (0.0048%); highest among the groups gnomAD compares: Non-Finnish European, 0.0062%; no homozygotes.

Submission:

Labcorp Genetics (formerly Invitae), Labcorp
Classification: Uncertain significance. Last evaluated: 2022-02-10. Review status: criteria provided, single submitter. Criteria: Invitae Variant Classification Sherloc (09022015). Collection method: clinical testing. Allele origin: germline.
Comment: This sequence change falls in intron 10 of the PEPD gene. It does not directly change the encoded amino acid sequence of the PEPD protein. It affects a nucleotide within the consensus splice site. The frequency data for this variant in the population databases is considered unreliable, as metrics indicate poor data quality at this position in the gnomAD database. This variant has not been reported in the literature in individuals affected with PEPD-related conditions. Variants that disrupt the consensus splice site are a relatively common cause of aberrant splicing (PMID: 17576681, 9536098). Algorithms developed to predict the effect of sequence changes on RNA splicing suggest that this variant is not likely to affect RNA splicing. In summary, the available evidence is currently insufficient to determine the role of this variant in disease. Therefore, it has been classified as a Variant of Uncertain Significance.

Literature cited by the submitters: PubMed 17576681 (cited by Labcorp Genetics (formerly Invitae), Labcorp); PubMed 9536098 (cited by Labcorp Genetics (formerly Invitae), Labcorp).